The following is an entry in ClinVar:

ClinVar aggregate classification (germline): Uncertain significance (1 of 4 stars; one submission).

Conditions:
Inclusion body myopathy with early-onset Paget disease with or without frontotemporal dementia 2 (IBMPFD2). Also called: MULTISYSTEM PROTEINOPATHY 2. Identifiers: MedGen C3809468, MONDO:0014178, OMIM 615422.

gnomAD v4.1: 1 of 1,610,226 alleles (0.000062%); highest among the groups gnomAD compares: Non-Finnish European, 0.000085%; no homozygotes.

Submission:

Labcorp Genetics (formerly Invitae), Labcorp
Classification: Uncertain significance for Inclusion body myopathy with early-onset Paget disease with or without frontotemporal dementia 2. Last evaluated: 2025-02-10. Review status: criteria provided, single submitter. Criteria: Invitae Variant Classification Sherloc (09022015). Collection method: clinical testing. Allele origin: germline.
Comment: This sequence change falls in intron 7 of the HNRNPA2B1 gene. It does not directly change the encoded amino acid sequence of the HNRNPA2B1 protein. It affects a nucleotide within the consensus splice site. This variant is not present in population databases (gnomAD no frequency). This variant has not been reported in the literature in individuals affected with HNRNPA2B1-related conditions. Variants that disrupt the consensus splice site are a relatively common cause of aberrant splicing (PMID: 17576681, 9536098). Algorithms developed to predict the effect of sequence changes on RNA splicing suggest that this variant may disrupt the consensus splice site. In summary, the available evidence is currently insufficient to determine the role of this variant in disease. Therefore, it has been classified as a Variant of Uncertain Significance.

Literature cited by the submitters: PubMed 17576681; PubMed 9536098.

NM_002137.4(HNRNPA2B1):c.658+4A>G

Gene: HNRNPA2B1 (heterogeneous nuclear ribonucleoprotein A2/B1; minus strand). Cytogenetic location: 7p15.2.
Variant type: single nucleotide variant.
Coding change: c.658+4A>G on transcript NM_002137.4 (MANE Select); 4 bases into the intron after coding-DNA position 658, A replaced by G.
Molecular consequence: intron variant.
Genome position (GRCh38, 1-based): chr7:26,196,397, T>C on the plus strand (A>G on the coding strand, the complement: HNRNPA2B1 is on the minus strand). VCF-style: chr7-26196397-T-C. GRCh37 (hg19) VCF-style: chr7-26236017-T-C.
Other names: c.658+4A>G (NM_001438578.1, NM_001438576.1, NM_001438575.1 and 4 more transcripts); c.694+4A>G (NM_001438574.1, NM_001438573.1, NM_001438568.1 and 3 more transcripts).
Identifiers: ClinVar variation 3673202 (VCV003673202.2).